The following is an entry in ClinVar:

ClinVar aggregate classification (germline): Uncertain significance (1 of 4 stars; one submission).

Conditions:
Luo-Schoch-Yamamoto syndrome. Identifiers: MedGen C5561946, MONDO:0859171, OMIM 619460.

Submission:

3billion
Classification: Uncertain significance for Luo-Schoch-Yamamoto syndrome. Last evaluated: 2023-09-01. Review status: criteria provided, single submitter. Criteria: ACMG Guidelines, 2015. Collection method: clinical testing. Allele origin: unknown. Affected: yes. Observed: 1 heterozygote.
Comment: The variant is not observed in the gnomAD v2.1.1 dataset. The variant is predicted to alter splicing and result in a loss or disruption of normal protein function. Therefore, this variant is classified as Uncertain significance according to the recommendation of ACMG/AMP guideline.

NM_007212.4(RNF2):c.465-1G>A

Gene: RNF2 (ring finger protein 2; plus strand). Cytogenetic location: 1q25.3.
Variant type: single nucleotide variant.
Coding change: c.465-1G>A on transcript NM_007212.4 (MANE Select); the canonical splice acceptor site of the intron before coding-DNA position 465, G replaced by A.
Molecular consequence: splice acceptor variant.
Genome position (GRCh38, 1-based): chr1:185,098,071, G>A. VCF-style: chr1-185098071-G-A. GRCh37 (hg19) VCF-style: chr1-185067203-G-A.
Identifiers: ClinVar variation 2572444 (VCV002572444.3), dbSNP rs2526095702, ClinGen allele CA343871908.